The following is an entry in ClinVar:

ClinVar aggregate classification (germline): Uncertain significance (1 of 4 stars; one submission).

gnomAD v4.1: 50 of 940,458 alleles (0.0053%); highest among the groups gnomAD compares: Non-Finnish European, 0.0069%; no homozygotes.

Submission:

Mayo Clinic Laboratories, Mayo Clinic
Classification: Uncertain significance. Last evaluated: 2025-01-29. Review status: criteria provided, single submitter. Criteria: ACMG Guidelines, 2015. Collection method: clinical testing. Allele origin: germline. Observed: 2 variant alleles.
Comment: PM2_supporting

NR_023317.1(RNU7-1):n.43G>C

Genes: RNU7-1 (RNA, U7 small nuclear 1; plus strand), C12orf57 (chromosome 12 open reading frame 57; plus strand). Cytogenetic location: 12p13.31.
Variant type: single nucleotide variant.
Molecular consequence: non-coding transcript variant (on NR_023317.1). On other transcripts: intron variant (2).
Genome position: GRCh38 VCF-style: chr12-6943858-G-C. GRCh37 (hg19) VCF-style: chr12-7053021-G-C.
Other names: c.13+196G>C (NM_001301836.2); c.-16+196G>C (NM_001301834.1).
Identifiers: ClinVar variation 4541694 (VCV004541694.1).